The following is an entry in ClinVar:

ClinVar aggregate classification (germline): Likely benign (1 of 4 stars; one submission).

gnomAD v4.1: 5 of 885,090 alleles (0.00056%); highest among the groups gnomAD compares: South Asian, 0.0052%; no homozygotes.

Submission:

CeGaT Center for Human Genetics Tuebingen
Classification: Likely benign. Last evaluated: 2023-10-01. Review status: criteria provided, single submitter. Criteria: CeGaT Center For Human Genetics Tuebingen Variant Classification Criteria Version 2. Collection method: clinical testing. Allele origin: germline. Affected: yes. Observed: 1 variant allele.
Comment: CXXC4: BP4, BP7

NM_025212.4(CXXC4):c.345G>C (p.Gly115=)

Genes: CXXC4 (CXXC finger protein 4; minus strand), CXXC4-AS1 (CXXC4 antisense RNA 1; plus strand). Cytogenetic location: 4q24.
Variant type: single nucleotide variant.
Coding change: c.345G>C on transcript NM_025212.4 (MANE Select); coding-DNA position 345, G replaced by C.
Protein change: p.Gly115=; no amino-acid change (glycine 115 retained).
Molecular consequence: synonymous variant.
Genome position (GRCh38, 1-based): chr4:104,491,458, C>G on the plus strand (G>C on the coding strand, the complement: CXXC4 is on the minus strand). VCF-style: chr4-104491458-C-G. GRCh37 (hg19) VCF-style: chr4-105412615-C-G.
Identifiers: ClinVar variation 2654994 (VCV002654994.24), dbSNP rs1276987993, ClinGen allele CA440822064.
Genomic context (GRCh38, chr4:104,491,458, plus strand): 5'-CCTGCCGCCCCCACCACCCCCGCCCCCGCCTCCGCCGCCGCCGCCGCCGCCGCCACCCCC[C>G]CCGCCGCCGCCCCCGCCCCCGCCGCTGCCCCAGAGCATGGCGGTGGCGGCGGCGGCGGTG-3'
Protein context (NP_079488.2, residues 105-125): WGSGGGGGGG[Gly115=]GGGGGGGGGG